The following is an entry in ClinVar:

ClinVar aggregate classification (germline): Pathogenic (1 of 4 stars; one submission).

Conditions:
Lafora disease. Also called: Epilepsy progressive myoclonic 2. Identifiers: Orphanet 501, MedGen C0751783, MONDO:0009697.

Submission:

Broad Center for Mendelian Genomics, Broad Institute of MIT and Harvard
Classification: Pathogenic for Lafora disease. Last evaluated: 2025-01-07. Review status: criteria provided, single submitter. Criteria: ACMG Guidelines, 2015. Collection method: curation. Allele origin: germline. Inheritance: Autosomal recessive inheritance.
Comment: The p.Asp82ArgfsTer7 variant in EPM2A has been reported in 2 individuals with Lafora disease (PMID: 14722920, 33773408), and has been identified in 0.00009% (1/1071442) of European (non-Finnish) chromosomes by the Genome Aggregation Database (gnomAD). Although this variant has been seen in the general population in a heterozygous state, its frequency is low enough to be consistent with a recessive carrier frequency. Of the 2 affected individuals, 1 of those was a homozygote, which increases the likelihood that the p.Asp82ArgfsTer7 variant is pathogenic (PMID: 33773408). This variant is predicted to cause a frameshift, which alters the protein‚Äôs amino acid sequence beginning at position 82 and leads to a premature termination codon 7 amino acids downstream. This alteration is then predicted to lead to a truncated or absent protein. Loss of function of the EPM2A gene is an established disease mechanism in autosomal recessive Lafora disease. The phenotype of the individual homozygous for this variant is highly specific for Lafora disease based on biopsies showing Lafora bodies consistent with disease (PMID: 33773408). In summary, this variant meets criteria to be classified as pathogenic for autosomal recessive Lafora disease. ACMG/AMP Criteria applied: PVS1, PP4, PM2_supporting, PM3_supporting (Richards 2015).

NM_005670.4(EPM2A):c.243_246del (p.Asp82fs)

Genes: EPM2A (EPM2A glucan phosphatase, laforin; minus strand), EPM2A-DT (EPM2A divergent transcript; plus strand), LOC129997381 (ATAC-STARR-seq lymphoblastoid silent region 17642; plus strand). Cytogenetic location: 6q24.3.
Variant type: Deletion.
Coding change: c.243_246del on transcript NM_005670.4 (MANE Select); coding-DNA positions 243 to 246, 4 bases deleted (GGAC; older notation c.243_246delGGAC).
Protein change: p.Asp82fs; shifts the reading frame from aspartic acid 82.
Molecular consequence: frameshift variant. On other transcripts: 5 prime UTR variant (3), intron variant (1).
Genome position (GRCh38, 1-based): chr6:145,735,253-145,735,256, GTCC deleted on the plus strand (GGAC on the coding strand, the reverse complement: EPM2A is on the minus strand). VCF-style (leftmost placement, unchanged base first): chr6-145735252-TGTCC-T. GRCh37 (hg19) VCF-style: chr6-146056388-TGTCC-T.
Other names: NR_153398.2:n.116+652_116+655del; c.243_246del, p.Asp82fs (NM_001018041.2, NM_001360057.2, NM_001368130.1); c.-427_-424del (NM_001360071.2); c.-381_-378del (NM_001368129.2); c.-125_-122del (NM_001368131.1); c.-114+652_-114+655del (NM_001360064.2); short protein forms D82fs.
Identifiers: ClinVar variation 3776909 (VCV003776909.1).
Genomic context (GRCh38, chr6:145,735,252, plus strand): 5'-CAATACCTTCCCAGGAGAGCTCTCCTCCCGGCTCCCGCTTCAGGAACTTGTACCAGAACG[TGTCC>T]ACGCGGCCCGGCTCCGCCCCGTCCTGCGCCGCCTCCTCGGCCGCCAGCTCCACCTCCCCG-3'